The following is an entry in ClinVar:

ClinVar aggregate classification (germline): Likely benign (1 of 4 stars; one submission).

Conditions:
H19-related disorder. Also called: H19-related condition.

Submission:

PreventionGenetics, part of Exact Sciences
Classification: Likely benign for H19-related condition. Last evaluated: 2025-12-30. Review status: criteria provided, single submitter. Criteria: ACMG Guidelines, 2015. Collection method: clinical testing. Allele origin: germline.
Comment: This variant is classified as likely benign based on ACMG/AMP sequence variant interpretation guidelines (Richards et al. 2015 PMID: 25741868, with internal and published modifications).

NC_000011.10:g.2000654C>A

Genes: H19 (H19 imprinted maternally expressed transcript; minus strand), H19-ICR (H19/IGF2 imprinting control region; plus strand), MRPL23 (mitochondrial ribosomal protein L23; plus strand). Cytogenetic location: 11p15.5.
Variant type: single nucleotide variant.
Molecular consequence: intron variant (on NM_001400176.1).
Genome position: GRCh38 VCF-style: chr11-2000654-C-A. GRCh37 (hg19) VCF-style: chr11-2021884-C-A.
Other names: c.498-10887C>A (NM_001400176.1).
Identifiers: ClinVar variation 4984357 (VCV004984357.1).